The following is an entry in ClinVar:

NM_001376.5(DYNC1H1):c.7438C>G (p.Pro2480Ala)

Gene: DYNC1H1 (dynein cytoplasmic 1 heavy chain 1; plus strand). Cytogenetic location: 14q32.31.
Variant type: single nucleotide variant.
Coding change: c.7438C>G on transcript NM_001376.5 (MANE Select); coding-DNA position 7438, C replaced by G.
Protein change: p.Pro2480Ala; replaces proline 2480 with alanine.
Molecular consequence: missense variant.
Genome position (GRCh38, 1-based): chr14:102,016,051, C>G. VCF-style: chr14-102016051-C-G. GRCh37 (hg19) VCF-style: chr14-102482388-C-G.
Other names: short protein forms P2480A.
Identifiers: ClinVar variation 472551 (VCV000472551.12), dbSNP rs1018948570, ClinGen allele CA266952229.

ClinVar aggregate classification (germline): Conflicting classifications of pathogenicity. Review status: criteria provided, conflicting classifications (1 of 4 stars). 3 submissions from 3 submitters: Uncertain significance (2); Likely benign (1). Last evaluated 2024-05-21.

Conditions:
Charcot-Marie-Tooth disease axonal type 2O. Also called: CHARCOT-MARIE-TOOTH NEUROPATHY, AXONAL, TYPE 2O; CHARCOT-MARIE-TOOTH DISEASE, AXONAL, AUTOSOMAL DOMINANT, TYPE 2O; Charcot-Marie-Tooth Neuropathy Type 2O; Charcot-Marie-Tooth disease, axonal, type 20. Identifiers: Orphanet 284232, MedGen C3280220, MONDO:0013644, OMIM 614228.
Inborn genetic diseases. Identifiers: MedGen C0950123, MeSH D030342.
Cortical dysplasia, complex, with other brain malformations 13. Also called: Intellectual disability, autosomal dominant 13. Identifiers: MedGen C3281202, MONDO:0013805, OMIM 614563.

Allele frequency attached by ClinVar (database versions not stated): TOPMed 0.00005.
gnomAD v4.1: 10 of 1,613,094 alleles (0.00062%); highest among the groups gnomAD compares: African/African-American, 0.013%; no homozygotes.

Submissions (3):

Ambry Genetics
Classification: Likely benign for Inborn genetic diseases. Last evaluated: 2024-05-21. Review status: criteria provided, single submitter. Criteria: Ambry Variant Classification Scheme 2023. Collection method: clinical testing. Allele origin: germline.

Labcorp Genetics (formerly Invitae), Labcorp
Classification: Uncertain significance for Charcot-Marie-Tooth disease axonal type 2O. Last evaluated: 2023-12-23. Review status: criteria provided, single submitter. Criteria: Invitae Variant Classification Sherloc (09022015). Collection method: clinical testing. Allele origin: germline.
Comment: This sequence change replaces proline, which is neutral and non-polar, with alanine, which is neutral and non-polar, at codon 2480 of the DYNC1H1 protein (p.Pro2480Ala). This variant is present in population databases (no rsID available, gnomAD 0.02%). This variant has not been reported in the literature in individuals affected with DYNC1H1-related conditions. ClinVar contains an entry for this variant (Variation ID: 472551). Advanced modeling of protein sequence and biophysical properties (such as structural, functional, and spatial information, amino acid conservation, physicochemical variation, residue mobility, and thermodynamic stability) performed at Invitae indicates that this missense variant is expected to disrupt DYNC1H1 protein function with a positive predictive value of 80%. In summary, the available evidence is currently insufficient to determine the role of this variant in disease. Therefore, it has been classified as a Variant of Uncertain Significance.

New York Genome Center
Classification: Uncertain significance for Cortical dysplasia, complex, with other brain malformations 13. Last evaluated: 2021-05-28. Review status: criteria provided, single submitter. Criteria: NYGC Assertion Criteria 2020. Collection method: clinical testing. Allele origin: germline. Observed: 1 heterozygote. Study: CSER-NYCKidSeq.
Comment: The heterozygous variant c.7438C>G, p.Pro2480Ala identified in DYNC1H1 has not been reported in individuals with autosomal dominant mental retardation-13. The variant has four heterozygotes in the gnomAD v3.1.1 database, indicating a rare allele and in silico tools predict conflicting evidence of pathogenicity. Based onthe available evidence, the variant c.7438C>G, p.Pro2480Ala in the DYNC1H1 gene is classified as a variant of uncertain significance.